The following is an entry in ClinVar:

ClinVar aggregate classification (germline): Benign/Likely benign. Review status: criteria provided, multiple submitters, no conflicts (2 of 4 stars). 4 submissions from 4 submitters: Benign (1); Likely benign (2). 1 of the submissions does not count toward it. Last evaluated 2026-05-01.

Conditions:
MAST1-related disorder. Also called: MAST1-related condition.

Allele frequency attached by ClinVar (database versions not stated): 1000 Genomes Project 30x 0.00094; 1000 Genomes Project 0.00100; TOPMed 0.00175; ExAC 0.00185; ESP Exome Variant Server 0.00192; gnomAD exomes 0.00205 and 0.00295; gnomAD 0.00244 and 0.00250.
gnomAD v4.1: 4,643 of 1,613,498 alleles (0.29%); highest among the groups gnomAD compares: Non-Finnish European, 0.33%; 9 homozygotes.

Submissions (4):

CeGaT Center for Human Genetics Tuebingen
Classification: Likely benign. Last evaluated: 2026-05-01. Review status: criteria provided, single submitter. Criteria: CeGaT Center For Human Genetics Tuebingen Variant Classification Criteria Version 2. Collection method: clinical testing. Allele origin: germline. Affected: yes. Observed: 10 variant alleles.
Comment: MAST1: BP4, BP7, BS1

Labcorp Genetics (formerly Invitae), Labcorp
Classification: Benign. Last evaluated: 2025-12-23. Review status: criteria provided, single submitter. Criteria: Invitae Variant Classification Sherloc (09022015). Collection method: clinical testing. Allele origin: germline.

Blueprint Genetics
Classification: Likely benign. Last evaluated: 2024-11-28. Review status: criteria provided, single submitter. Criteria: ACMG Guidelines, 2015. Collection method: clinical testing. Allele origin: germline.

PreventionGenetics, part of Exact Sciences
Classification: Benign for MAST1-related condition. Last evaluated: 2020-01-23. Review status: no assertion criteria provided. Collection method: clinical testing. Allele origin: germline. Not counted in ClinVar's aggregate classification.
Comment: This variant is classified as benign based on ACMG/AMP sequence variant interpretation guidelines (Richards et al. 2015 PMID: 25741868, with internal and published modifications).

NM_014975.3(MAST1):c.3366T>C (p.Asp1122=)

Gene: MAST1 (microtubule associated serine/threonine kinase 1; plus strand). Cytogenetic location: 19p13.13.
Variant type: single nucleotide variant.
Coding change: c.3366T>C on transcript NM_014975.3 (MANE Select); coding-DNA position 3366, T replaced by C.
Protein change: p.Asp1122=; no amino-acid change (aspartic acid 1122 retained).
Molecular consequence: synonymous variant.
Genome position (GRCh38, 1-based): chr19:12,873,426, T>C. VCF-style: chr19-12873426-T-C. GRCh37 (hg19) VCF-style: chr19-12984240-T-C.
Other names: c.3366T>C (NM_014975.2).
Identifiers: ClinVar variation 1694889 (VCV001694889.38), dbSNP rs148457369, ClinGen allele CA9233396.